The following is an entry in ClinVar:

NM_002878.4(RAD51D):c.384G>A (p.Leu128=)

Genes: RAD51D (RAD51 paralog D; minus strand), RAD51L3-RFFL (RAD51L3-RFFL readthrough; minus strand). Cytogenetic location: 17q12.
Variant type: single nucleotide variant.
Coding change: c.384G>A on transcript NM_002878.4 (MANE Select); coding-DNA position 384, G replaced by A.
Protein change: p.Leu128=; no amino-acid change (leucine 128 retained).
Molecular consequence: synonymous variant. On other transcripts: non-coding transcript variant (1), intron variant (1).
Genome position (GRCh38, 1-based): chr17:35,107,084, C>T on the plus strand (G>A on the coding strand, the complement: RAD51D is on the minus strand). VCF-style: chr17-35107084-C-T. GRCh37 (hg19) VCF-style: chr17-33434103-C-T.
Other names: c.444G>A, p.Leu148= (NM_001142571.2); c.145-603G>A (NM_133629.3).
Identifiers: ClinVar variation 492430 (VCV000492430.13), dbSNP rs1393403501, ClinGen allele CA499731731.

ClinVar aggregate classification (germline): Benign/Likely benign. Review status: criteria provided, multiple submitters, no conflicts (2 of 4 stars). 4 submissions from 4 submitters: Benign (1); Likely benign (3). Last evaluated 2025-04-14.

Conditions:
Hereditary cancer-predisposing syndrome. Also called: Hereditary neoplastic syndrome; Tumor predisposition; Hereditary Cancer Syndrome; Neoplastic Syndromes, Hereditary. Identifiers: Orphanet 140162, MedGen C0027672, MeSH D009386, MONDO:0015356.
Breast-ovarian cancer, familial, susceptibility to, 4. Identifiers: Orphanet 145, MedGen C3280345, MONDO:0013669, OMIM 614291.

Allele frequency attached by ClinVar (database versions not stated): gnomAD exomes 0.00001.

Submissions (4):

Labcorp Genetics (formerly Invitae), Labcorp
Classification: Likely benign for Breast-ovarian cancer, familial, susceptibility to, 4. Last evaluated: 2025-04-14. Review status: criteria provided, single submitter. Criteria: Invitae Variant Classification Sherloc (09022015). Collection method: clinical testing. Allele origin: germline.

Myriad Genetics, Inc.
Classification: Benign for Breast-ovarian cancer, familial, susceptibility to, 4. Last evaluated: 2025-02-21. Review status: criteria provided, single submitter. Criteria: Myriad Autosomal Dominant, Autosomal Recessive and X-Linked Classification Criteria (2023). Collection method: clinical testing. Allele origin: unknown.
Comment: This variant is considered benign. This variant is a silent/synonymous amino acid change and it is not expected to impact splicing.

Color Diagnostics, LLC DBA Color Health
Classification: Likely benign for Hereditary cancer-predisposing syndrome. Last evaluated: 2017-09-14. Review status: criteria provided, single submitter. Criteria: ACMG Guidelines, 2015. Collection method: clinical testing. Allele origin: germline.

Ambry Genetics
Classification: Likely benign for Hereditary cancer-predisposing syndrome. Last evaluated: 2016-10-06. Review status: criteria provided, single submitter. Criteria: Ambry Variant Classification Scheme 2023. Collection method: clinical testing. Allele origin: germline.